The following is an entry in ClinVar:

NM_000946.3(PRIM1):c.697A>G (p.Ile233Val)

Gene: PRIM1 (DNA primase subunit 1; minus strand). Cytogenetic location: 12q13.3.
Variant type: single nucleotide variant.
Coding change: c.697A>G on transcript NM_000946.3 (MANE Select); coding-DNA position 697, A replaced by G.
Protein change: p.Ile233Val; replaces isoleucine 233 with valine.
Molecular consequence: missense variant.
Genome position (GRCh38, 1-based): chr12:56,743,038, T>C on the plus strand (A>G on the coding strand, the complement: PRIM1 is on the minus strand). VCF-style: chr12-56743038-T-C. GRCh37 (hg19) VCF-style: chr12-57136822-T-C.
Other names: short protein forms I233V.
Identifiers: ClinVar variation 3603019 (VCV003603019.1).

ClinVar aggregate classification (germline): Uncertain significance (1 of 4 stars; one submission).

Submission:

GeneDx
Classification: Uncertain significance. Last evaluated: 2024-04-11. Review status: criteria provided, single submitter. Criteria: GeneDx Variant Classification Process June 2021. Collection method: clinical testing. Allele origin: germline. Affected: yes.
Comment: Not observed at significant frequency in large population cohorts (gnomAD); In silico analysis indicates that this missense variant does not alter protein structure/function; Has not been previously published as pathogenic or benign to our knowledge; Variants in candidate genes are classified as variants of uncertain significance in accordance with ACMG guidelines (PMID: 25741868)